The following is an entry in ClinVar:

ClinVar aggregate classification (germline): Uncertain significance (1 of 4 stars; one submission).

Conditions:
Early-infantile DEE. Also called: Early infantile epileptic encephalopathy; Early infantile epileptic encephalopathy with suppression bursts; Ohtahara syndrome. Identifiers: Orphanet 1934, MedGen C0393706, MONDO:0800491.

Submission:

Labcorp Genetics (formerly Invitae), Labcorp
Classification: Uncertain significance for Early-infantile DEE. Last evaluated: 2022-11-15. Review status: criteria provided, single submitter. Criteria: Invitae Variant Classification Sherloc (09022015). Collection method: clinical testing. Allele origin: germline.
Comment: In summary, the available evidence is currently insufficient to determine the role of this variant in disease. Therefore, it has been classified as a Variant of Uncertain Significance. Advanced modeling of protein sequence and biophysical properties (such as structural, functional, and spatial information, amino acid conservation, physicochemical variation, residue mobility, and thermodynamic stability) has been performed at Invitae for this missense variant, however the output from this modeling did not meet the statistical confidence thresholds required to predict the impact of this variant on SPTAN1 protein function. This variant has not been reported in the literature in individuals affected with SPTAN1-related conditions. This variant is not present in population databases (gnomAD no frequency). This sequence change replaces lysine, which is basic and polar, with asparagine, which is neutral and polar, at codon 1432 of the SPTAN1 protein (p.Lys1432Asn).

NM_001130438.3(SPTAN1):c.4296G>T (p.Lys1432Asn)

Gene: SPTAN1 (spectrin alpha, non-erythrocytic 1; plus strand). Cytogenetic location: 9q34.11.
Variant type: single nucleotide variant.
Coding change: c.4296G>T on transcript NM_001130438.3 (MANE Select); coding-DNA position 4296, G replaced by T.
Protein change: p.Lys1432Asn; replaces lysine 1432 with asparagine.
Molecular consequence: missense variant.
Genome position (GRCh38, 1-based): chr9:128,608,001, G>T. VCF-style: chr9-128608001-G-T. GRCh37 (hg19) VCF-style: chr9-131370280-G-T.
Other names: c.4296G>T, p.Lys1432Asn (NM_001375313.1, NM_003127.4, NM_001363759.2 and 2 more transcripts); c.4236G>T, p.Lys1412Asn (NM_001375314.2, NM_001195532.2, NM_001363765.2); c.4332G>T, p.Lys1444Asn (NM_001375318.1, NM_001375312.2); short protein forms K1412N, K1432N, K1444N.
Identifiers: ClinVar variation 2814532 (VCV002814532.3), dbSNP rs2541752680, ClinGen allele CA375066668.
Genomic context (GRCh38, chr9:128,608,001, plus strand): 5'-CAGCCCTGAGATCAAGCAGAAACTTGATATTCTTGACCAGGAGCGTGCAGACCTGGAGAA[G>T]GCCTGGGTTCAGCGCAGGATGATGCTGGATCAGTGCCTTGAACTGCAGGTGTGTGTGCTC-3'
Protein context (NP_001123910.1, residues 1422-1442): ILDQERADLE[Lys1432Asn]AWVQRRMMLD